The following is an entry in ClinVar:

ClinVar aggregate classification (germline): Uncertain significance (1 of 4 stars; one submission).

Submission:

Labcorp Genetics (formerly Invitae), Labcorp
Classification: Uncertain significance. Last evaluated: 2022-09-27. Review status: criteria provided, single submitter. Criteria: Invitae Variant Classification Sherloc (09022015). Collection method: clinical testing. Allele origin: germline.
Comment: In summary, the available evidence is currently insufficient to determine the role of this variant in disease. Therefore, it has been classified as a Variant of Uncertain Significance. Algorithms developed to predict the effect of sequence changes on RNA splicing suggest that this variant may disrupt the consensus splice site. Algorithms developed to predict the effect of missense changes on protein structure and function are either unavailable or do not agree on the potential impact of this missense change (SIFT: "Deleterious"; PolyPhen-2: "Possibly Damaging"; Align-GVGD: "Class C0"). This variant has not been reported in the literature in individuals affected with NCKAP1L-related conditions. This variant is present in population databases (rs2270581, gnomAD 0.0009%). This sequence change replaces serine, which is neutral and polar, with tryptophan, which is neutral and slightly polar, at codon 402 of the NCKAP1L protein (p.Ser402Trp).

NM_005337.5(NCKAP1L):c.1205C>G (p.Ser402Trp)

Gene: NCKAP1L (NCK associated protein 1 like; plus strand). Cytogenetic location: 12q13.2.
Variant type: single nucleotide variant.
Coding change: c.1205C>G on transcript NM_005337.5 (MANE Select); coding-DNA position 1205, C replaced by G.
Protein change: p.Ser402Trp; replaces serine 402 with tryptophan.
Molecular consequence: missense variant.
Genome position (GRCh38, 1-based): chr12:54,517,642, C>G. VCF-style: chr12-54517642-C-G. GRCh37 (hg19) VCF-style: chr12-54911426-C-G.
Other names: c.1055C>G, p.Ser352Trp (NM_001184976.2); short protein forms S352W, S402W.
Identifiers: ClinVar variation 1945899 (VCV001945899.5), dbSNP rs2270581, ClinGen allele CA6609074.
Genomic context (GRCh38, chr12:54,517,642, plus strand): 5'-GGCTGGTTCGCCACACAGAGAATGTCACCAAGACAAAGACACCTGAGGACTATGCTGACT[C>G]GTTAGTACTTGACATGGCTAAGAACCTTGTCCTTAGATGGACTGGGGACAGGGAGGCATC-3'
Protein context (NP_005328.2, residues 392-412): KTKTPEDYAD[Ser402Trp]SIAELLFLLE